The following is an entry in ClinVar:

NM_000143.4(FH):c.1508_1509insCAAACC (p.Pro503_Lys504dup)

Gene: FH (fumarate hydratase; minus strand). Cytogenetic location: 1q43.
Variant type: Insertion.
Coding change: c.1508_1509insCAAACC on transcript NM_000143.4 (MANE Select); coding-DNA positions 1508 to 1509, CAAACC inserted.
Protein change: p.Pro503_Lys504dup.
Molecular consequence: inframe insertion.
Genome position: GRCh38 VCF-style: chr1-241497852-A-AGGTTTG. GRCh37 (hg19) VCF-style: chr1-241661152-A-AGGTTTG.
Identifiers: ClinVar variation 405910 (VCV000405910.9), dbSNP rs1060500895, ClinGen allele CA16610022.
Genomic context (GRCh38, chr1:241,497,852, plus strand): 5'-TTATACATGTTTATTTTCATTATAAATTTATGTAAATCACTTTGGACCCAGCATGTCCTT[A>AGGTTTG]GGTTTTACCCATTCGTCAAACTGCTCTGCTGTGAGATAGCCAAGTTCGATAGCAGTTTCC-3'

ClinVar aggregate classification (germline): Uncertain significance (1 of 4 stars; one submission).

Submission:

Labcorp Genetics (formerly Invitae), Labcorp
Classification: Uncertain significance. Last evaluated: 2020-12-10. Review status: criteria provided, single submitter. Criteria: Invitae Variant Classification Sherloc (09022015). Collection method: clinical testing. Allele origin: germline.
Comment: In summary, the available evidence is currently insufficient to determine the role of this variant in disease. Therefore, it has been classified as a Variant of Uncertain Significance. Experimental studies and prediction algorithms are not available or were not evaluated, and the functional significance of this variant is currently unknown. This variant has not been reported in the literature in individuals with FH-related conditions. ClinVar contains an entry for this variant (Variation ID: 405910). This variant is not present in population databases (ExAC no frequency). This variant, c.1508_1509insCAAACC, results in the insertion of 2 amino acids to the FH protein (p.Pro503_Lys504dup), but otherwise preserves the integrity of the reading frame.